The following is an entry in ClinVar:

NM_004380.3(CREBBP):c.2733A>C (p.Gln911His)

Gene: CREBBP (CREB binding lysine acetyltransferase; minus strand). Cytogenetic location: 16p13.3.
Variant type: single nucleotide variant.
Coding change: c.2733A>C on transcript NM_004380.3 (MANE Select); coding-DNA position 2733, A replaced by C.
Protein change: p.Gln911His; replaces glutamine 911 with histidine.
Molecular consequence: missense variant.
Genome position (GRCh38, 1-based): chr16:3,770,717, T>G on the plus strand (A>C on the coding strand, the complement: CREBBP is on the minus strand). VCF-style: chr16-3770717-T-G. GRCh37 (hg19) VCF-style: chr16-3820718-T-G.
Other names: c.2619A>C, p.Gln873His (NM_001079846.1); short protein forms Q873H, Q911H.
Identifiers: ClinVar variation 3348514 (VCV003348514.1).

ClinVar aggregate classification (germline): Uncertain significance (0 of 4 stars; one submission).

Conditions:
CREBBP-related disorder. Also called: CREBBP-related condition; CREBBP-related disorders.

Submission:

PreventionGenetics, part of Exact Sciences
Classification: Uncertain significance for CREBBP-related condition. Last evaluated: 2023-11-20. Review status: no assertion criteria provided. Collection method: clinical testing. Allele origin: germline.
Comment: The CREBBP c.2733A>C variant is predicted to result in the amino acid substitution p.Gln911His. To our knowledge, this variant has not been reported in the literature or in a large population database, indicating this variant is rare. At this time, the clinical significance of this variant is uncertain due to the absence of conclusive functional and genetic evidence.